The following is an entry in ClinVar:

NM_003072.5(SMARCA4):c.1583G>A (p.Arg528Gln)

Gene: SMARCA4 (SWI/SNF related BAF chromatin remodeling complex subunit ATPase 4; plus strand). Cytogenetic location: 19p13.2.
Variant type: single nucleotide variant.
Coding change: c.1583G>A on transcript NM_003072.5 (MANE Select); coding-DNA position 1583, G replaced by A.
Protein change: p.Arg528Gln; replaces arginine 528 with glutamine.
Molecular consequence: missense variant. On other transcripts: non-coding transcript variant (1).
Genome position (GRCh38, 1-based): chr19:10,994,991, G>A. VCF-style: chr19-10994991-G-A. GRCh37 (hg19) VCF-style: chr19-11105667-G-A.
Other names: c.1583G>A, p.Arg528Gln (NM_001128844.3, NM_001128845.2, NM_001128846.2 and 5 more transcripts); short protein forms R528Q.
Identifiers: ClinVar variation 470249 (VCV000470249.13), dbSNP rs1555762188, ClinGen allele CA404062321.
Genomic context (GRCh38, chr19:10,994,991, plus strand): 5'-ATGCCAACACGGAGCGGGAGCAGAAGAAAGAGAACGAGCGGATCGAGAAGGAGCGCATGC[G>A]GAGGCTCATGGTATGGTCCTGCCTTCTTGACGTGCGCTCTTCTACATGTGTAGCTGGTAC-3'
Protein context (NP_003063.2, residues 518-538): ENERIEKERM[Arg528Gln]RLMAEDEEGY

ClinVar aggregate classification (germline): Uncertain significance. Review status: criteria provided, multiple submitters, no conflicts (2 of 4 stars). 2 submissions from 2 submitters: Uncertain significance (2). Last evaluated 2025-08-24.

Conditions:
Hereditary cancer-predisposing syndrome. Also called: Hereditary neoplastic syndrome; Neoplastic Syndromes, Hereditary; Tumor predisposition; Hereditary Cancer Syndrome. Identifiers: Orphanet 140162, MedGen C0027672, MeSH D009386, MONDO:0015356.
Rhabdoid tumor predisposition syndrome 2 (RTPS2). Identifiers: Orphanet 231108, Orphanet 69077, MedGen C2750074, MONDO:0013224, OMIM 613325.

Submissions (2):

Labcorp Genetics (formerly Invitae), Labcorp
Classification: Uncertain significance for Rhabdoid tumor predisposition syndrome 2. Last evaluated: 2025-08-24. Review status: criteria provided, single submitter. Criteria: Invitae Variant Classification Sherloc (09022015). Collection method: clinical testing. Allele origin: germline.
Comment: This sequence change replaces arginine, which is basic and polar, with glutamine, which is neutral and polar, at codon 528 of the SMARCA4 protein (p.Arg528Gln). This variant is not present in population databases (gnomAD no frequency). This missense change has been observed in individual(s) with a neurodevelopmental disorder (PMID: 33258288). ClinVar contains an entry for this variant (Variation ID: 470249). Invitae Evidence Modeling of protein sequence and biophysical properties (such as structural, functional, and spatial information, amino acid conservation, physicochemical variation, residue mobility, and thermodynamic stability) has been performed for this missense variant. However, the output from this modeling did not meet the statistical confidence thresholds required to predict the impact of this variant on SMARCA4 protein function. In summary, the available evidence is currently insufficient to determine the role of this variant in disease. Therefore, it has been classified as a Variant of Uncertain Significance.

Ambry Genetics
Classification: Uncertain significance for Hereditary cancer-predisposing syndrome. Last evaluated: 2022-09-09. Review status: criteria provided, single submitter. Criteria: Ambry Variant Classification Scheme 2023. Collection method: clinical testing. Allele origin: germline.
Comment: The p.R528Q variant (also known as c.1583G>A), located in coding exon 8 of the SMARCA4 gene, results from a G to A substitution at nucleotide position 1583. The arginine at codon 528 is replaced by glutamine, an amino acid with highly similar properties. This amino acid position is highly conserved in available vertebrate species. In addition, this alteration is predicted to be tolerated by in silico analysis. Missense and in-frame variants in SMARCA4 are known to cause neurodevelopmental disorders; however, such associations with rhabdoid tumor predisposition syndrome including small cell carcinoma of the ovary-hypercalcemic type (SCCOHT) are exceedingly rare (Kosho T et al. Am J Med Genet C Semin Med Genet. 2014 Sep;166C(3):262-75; Jelinic P et al. Nat Genet. 2014 May;46(5):424-6). Based on the supporting evidence, the association of this alteration with Coffin-Siris syndrome is unknown; however, the association of this alteration with rhabdoid tumor predisposition syndrome is unlikely.

Literature cited by the submitters: PubMed 33258288 (cited by Labcorp Genetics (formerly Invitae), Labcorp).